The following is an entry in ClinVar:

ClinVar aggregate classification (germline): Uncertain significance (1 of 4 stars; one submission).

Conditions:
Inborn genetic diseases. Identifiers: MedGen C0950123, MeSH D030342.

Submission:

Ambry Genetics
Classification: Uncertain significance for Inborn genetic diseases. Last evaluated: 2025-03-11. Review status: criteria provided, single submitter. Criteria: Ambry Variant Classification Scheme 2023. Collection method: clinical testing. Allele origin: germline.
Comment: The p.N947K variant (also known as c.2841C>A), located in coding exon 28 of the RTEL1 gene, results from a C to A substitution at nucleotide position 2841. The asparagine at codon 947 is replaced by lysine, an amino acid with similar properties. This amino acid position is conserved. In addition, this alteration is predicted to be tolerated by in silico analysis. Based on the available evidence, the clinical significance of this variant remains unclear.

NM_001283009.2(RTEL1):c.2841C>A (p.Asn947Lys)

Genes: RTEL1 (regulator of telomere elongation helicase 1; plus strand), RTEL1-TNFRSF6B (RTEL1-TNFRSF6B readthrough (NMD candidate); plus strand). Cytogenetic location: 20q13.33.
Variant type: single nucleotide variant.
Coding change: c.2841C>A on transcript NM_001283009.2 (MANE Select); coding-DNA position 2841, C replaced by A.
Protein change: p.Asn947Lys; replaces asparagine 947 with lysine.
Molecular consequence: missense variant. On other transcripts: non-coding transcript variant (1).
Genome position (GRCh38, 1-based): chr20:63,692,993, C>A. VCF-style: chr20-63692993-C-A. GRCh37 (hg19) VCF-style: chr20-62324346-C-A.
Other names: c.2172C>A, p.Asn724Lys (NM_001283010.1); c.2841C>A, p.Asn947Lys (NM_016434.4); c.2913C>A, p.Asn971Lys (NM_032957.5); short protein forms N947K, N724K, N971K.
Identifiers: ClinVar variation 3791216 (VCV003791216.1).
Genomic context (GRCh38, chr20:63,692,993, plus strand): 5'-CTTCGCCGCCCTGGCCGCCTGTCTCGGCCCCCTCTTTGCTGAGGACCCCAAGAAGCACAA[C>A]CTGCTCCAAGGTGCCCTGGCTTGCAGAGGCCACCCACCCTGAGGGCAGTGCTGCCGCCGC-3'
Protein context (NP_001269938.1, residues 937-957): PLFAEDPKKH[Asn947Lys]LLQGFYQFVR